The following is an entry in ClinVar:

NM_174936.4(PCSK9):c.793C>T (p.Leu265Phe)

Gene: PCSK9 (proprotein convertase subtilisin/kexin type 9; plus strand). Cytogenetic location: 1p32.3.
Variant type: single nucleotide variant.
Coding change: c.793C>T on transcript NM_174936.4 (MANE Select); coding-DNA position 793, C replaced by T.
Protein change: p.Leu265Phe; replaces leucine 265 with phenylalanine.
Molecular consequence: missense variant. On other transcripts: non-coding transcript variant (8).
Genome position (GRCh38, 1-based): chr1:55,052,785, C>T. VCF-style: chr1-55052785-C-T. GRCh37 (hg19) VCF-style: chr1-55518458-C-T.
Other names: c.916C>T, p.Leu306Phe (NM_001407240.1); c.793C>T, p.Leu265Phe (NM_001407241.1, NM_001407244.1, NM_001407247.1); c.796C>T, p.Leu266Phe (NM_001407242.1); c.736C>T, p.Leu246Phe (NM_001407243.1); c.601C>T, p.Leu201Phe (NM_001407245.1); c.418C>T, p.Leu140Phe (NM_001407246.1); short protein forms L140F, L201F, L246F, L265F, L266F, L306F.
Identifiers: ClinVar variation 3072461 (VCV003072461.1), dbSNP rs1570301738, ClinGen allele CA340474243.

ClinVar aggregate classification (germline): Uncertain significance (1 of 4 stars; one submission).

Conditions:
Hypercholesterolemia, autosomal dominant, 3 (FHCL3). Also called: Familial Hypercholesterolemia, Autosomal Dominant, 3; PCSK9-Related Familial Hypercholesterolemia, Autosomal Dominant; Familial hypercholesterolemia 3. Identifiers: MedGen C1863551, MONDO:0011369, OMIM 603776.

Allele frequency attached by ClinVar (database versions not stated): gnomAD exomes below 0.00001.
gnomAD v4.1: 4 of 1,613,122 alleles (0.00025%); highest among the groups gnomAD compares: Non-Finnish European, 0.00034%; no homozygotes.

Submission:

All of Us Research Program, National Institutes of Health
Classification: Uncertain significance for Hypercholesterolemia, autosomal dominant, 3. Last evaluated: 2023-07-19. Review status: criteria provided, single submitter. Criteria: ACMG Guidelines, 2015. Collection method: clinical testing. Allele origin: germline. Inheritance: Autosomal dominant inheritance. Observed: 1 variant allele, 1 heterozygote.
Comment: This missense variant replaces leucine with phenylalanine at codon 265 of the PCSK9 protein. Computational prediction is inconclusive regarding the impact of this variant on protein structure and function (internally defined REVEL score threshold 0.5 < inconclusive < 0.7, PMID: 27666373). To our knowledge, functional studies have not been reported for this variant. This variant has not been reported in individuals affected with PCSK9-related disorders in the literature. This variant has not been identified in the general population by the Genome Aggregation Database (gnomAD). The available evidence is insufficient to determine the role of this variant in disease conclusively. Therefore, this variant is classified as a Variant of Uncertain Significance.

This study involves interpretation of variants in research participants for the purpose of population health screening. Participant phenotype was not available at the time of variant classification. Additional details can be found in publication PMID: 35346344, PMCID: PMC8962531